The following is an entry in ClinVar:

ClinVar aggregate classification (germline): Uncertain significance. Review status: criteria provided, multiple submitters, no conflicts (2 of 4 stars). 7 submissions from 7 submitters: Uncertain significance (6). 1 of the submissions does not count toward it. Last evaluated 2025-05-01.

Conditions:
Inborn genetic diseases. Identifiers: MedGen C0950123, MeSH D030342.
CDH23-related disorder. Also called: CDH23-related disorders; CDH23-related condition.
Pituitary adenoma 5, multiple types. Identifiers: MedGen C4539685, MONDO:0054601, OMIM 617540.
Usher syndrome type 1D (USH1D). Also called: USHER SYNDROME, TYPE ID. Identifiers: Orphanet 231169, Orphanet 886, MedGen C1832845, MONDO:0010984, OMIM 601067.
Autosomal recessive nonsyndromic hearing loss 12. Also called: DEAFNESS, AUTOSOMAL RECESSIVE 12. Identifiers: Orphanet 90636, MedGen C1832394, MONDO:0011067, OMIM 601386.
Usher syndrome type 1 (USH1). Also called: RETINITIS PIGMENTOSA AND CONGENITAL DEAFNESS. Identifiers: Orphanet 231169, Orphanet 886, MedGen C1568247, MONDO:0010168, OMIM 276900.

Allele frequency attached by ClinVar (database versions not stated): TOPMed 0.00003.
gnomAD v4.1: 88 of 1,612,546 alleles (0.0055%); highest among the groups gnomAD compares: South Asian, 0.0077%; no homozygotes.

Submissions (7):

GeneDx
Classification: Uncertain significance. Last evaluated: 2025-05-01. Review status: criteria provided, single submitter. Criteria: GeneDx Variant Classification Process June 2021. Collection method: clinical testing. Allele origin: germline. Affected: yes.
Comment: In silico analysis supports that this missense variant has a deleterious effect on protein structure/function; This variant is associated with the following publications: (PMID: 35682719)

PreventionGenetics, part of Exact Sciences
Classification: Uncertain significance for CDH23-related condition. Last evaluated: 2025-02-18. Review status: criteria provided, single submitter. Criteria: ACMG Guidelines, 2015. Collection method: clinical testing. Allele origin: germline.
Comment: The CDH23 c.2864G>A variant is predicted to result in the amino acid substitution p.Arg955His. To our knowledge, this variant has not been reported in the literature. This variant is reported in 0.0098% of alleles in individuals of South Asian descent in gnomAD. At this time, the clinical significance of this variant is uncertain due to the absence of conclusive functional and genetic evidence.

Ambry Genetics
Classification: Uncertain significance for Inborn genetic diseases. Last evaluated: 2024-11-25. Review status: criteria provided, single submitter. Criteria: Ambry Variant Classification Scheme 2023. Collection method: clinical testing. Allele origin: germline.

Blueprint Genetics
Classification: Uncertain significance. Last evaluated: 2023-09-20. Review status: criteria provided, single submitter. Criteria: ACMG Guidelines, 2015. Collection method: clinical testing. Allele origin: germline.

Labcorp Genetics (formerly Invitae), Labcorp
Classification: Uncertain significance. Last evaluated: 2022-07-12. Review status: criteria provided, single submitter. Criteria: Invitae Variant Classification Sherloc (09022015). Collection method: clinical testing. Allele origin: germline.
Comment: This sequence change replaces arginine, which is basic and polar, with histidine, which is basic and polar, at codon 955 of the CDH23 protein (p.Arg955His). This variant is present in population databases (rs758293939, gnomAD 0.01%). This variant has not been reported in the literature in individuals affected with CDH23-related conditions. ClinVar contains an entry for this variant (Variation ID: 970376). Algorithms developed to predict the effect of missense changes on protein structure and function are either unavailable or do not agree on the potential impact of this missense change (SIFT: "Deleterious"; PolyPhen-2: "Not Available"; Align-GVGD: "Class C25"). In summary, the available evidence is currently insufficient to determine the role of this variant in disease. Therefore, it has been classified as a Variant of Uncertain Significance.

Fulgent Genetics
Classification: Uncertain significance for Usher syndrome type 1D; Autosomal recessive nonsyndromic hearing loss 12; Pituitary adenoma 5, multiple types. Last evaluated: 2021-12-29. Review status: criteria provided, single submitter. Criteria: ACMG Guidelines, 2015. Collection method: clinical testing. Allele origin: unknown.

Natera, Inc.
Classification: Uncertain significance for Usher syndrome type 1. Last evaluated: 2020-06-18. Review status: no assertion criteria provided. Collection method: clinical testing. Allele origin: germline. Not counted in ClinVar's aggregate classification.

NM_022124.6(CDH23):c.2864G>A (p.Arg955His)

Gene: CDH23 (cadherin related 23; plus strand). Cytogenetic location: 10q22.1.
Variant type: single nucleotide variant.
Coding change: c.2864G>A on transcript NM_022124.6 (MANE Select); coding-DNA position 2864, G replaced by A.
Protein change: p.Arg955His; replaces arginine 955 with histidine.
Molecular consequence: missense variant.
Genome position (GRCh38, 1-based): chr10:71,705,041, G>A. VCF-style: chr10-71705041-G-A. GRCh37 (hg19) VCF-style: chr10-73464798-G-A.
Other names: c.2864G>A, p.Arg955His (NM_001171930.2, NM_001171931.2); short protein forms R955H.
Identifiers: ClinVar variation 970376 (VCV000970376.9), dbSNP rs758293939, ClinGen allele CA5544359.